The following is an entry in ClinVar:

NM_000051.4(ATM):c.3704_3708del (p.Pro1235fs)

Gene: ATM (ATM serine/threonine kinase; plus strand). Cytogenetic location: 11q22.3.
Variant type: Deletion.
Coding change: c.3704_3708del on transcript NM_000051.4 (MANE Select); coding-DNA positions 3704 to 3708, 5 bases deleted (CTTTT; older notation c.3704_3708delCTTTT).
Protein change: p.Pro1235fs; shifts the reading frame from proline 1235.
Molecular consequence: frameshift variant.
Genome position (GRCh38, 1-based): chr11:108,282,837-108,282,841, CTTTT deleted. VCF-style (leftmost placement, unchanged base first): chr11-108282836-CCTTTT-C. GRCh37 (hg19) VCF-style: chr11-108153563-CCTTTT-C.
Other names: c.3704_3708del, p.Pro1235fs (NM_001351834.2); short protein forms P1235fs.
Identifiers: ClinVar variation 1076814 (VCV001076814.9), dbSNP rs2135690451, ClinGen allele CA2499220622.

ClinVar aggregate classification (germline): Pathogenic. Review status: criteria provided, multiple submitters, no conflicts (2 of 4 stars). 2 submissions from 2 submitters: Pathogenic (2). Last evaluated 2024-03-17.

Conditions:
Hereditary cancer-predisposing syndrome. Also called: Neoplastic Syndromes, Hereditary; Hereditary neoplastic syndrome; Tumor predisposition; Hereditary Cancer Syndrome. Identifiers: Orphanet 140162, MedGen C0027672, MeSH D009386, MONDO:0015356.
Ataxia-telangiectasia syndrome (AT). Also called: Cerebello-oculocutaneous telangiectasia; Immunodeficiency with ataxia telangiectasia; ATAXIA-TELANGIECTASIA, FRESNO VARIANT; Ataxia-telangiectasia, complementation group D; Ataxia telangiectasia (A-T); LOUIS-BAR SYNDROME. Identifiers: Orphanet 100, MedGen C0004135, MONDO:0008840, OMIM 208900.

Submissions (2):

Labcorp Genetics (formerly Invitae), Labcorp
Classification: Pathogenic for Ataxia-telangiectasia syndrome. Last evaluated: 2024-03-17. Review status: criteria provided, single submitter. Criteria: Invitae Variant Classification Sherloc (09022015). Collection method: clinical testing. Allele origin: germline.
Comment: This sequence change creates a premature translational stop signal (p.Pro1235Hisfs*9) in the ATM gene. It is expected to result in an absent or disrupted protein product. Loss-of-function variants in ATM are known to be pathogenic (PMID: 23807571, 25614872). This variant is not present in population databases (gnomAD no frequency). This variant has not been reported in the literature in individuals affected with ATM-related conditions. ClinVar contains an entry for this variant (Variation ID: 1076814). For these reasons, this variant has been classified as Pathogenic.

Ambry Genetics
Classification: Pathogenic for Hereditary cancer-predisposing syndrome. Last evaluated: 2021-05-14. Review status: criteria provided, single submitter. Criteria: Ambry Variant Classification Scheme 2023. Collection method: clinical testing. Allele origin: germline.
Comment: The c.3704_3708delCTTTT pathogenic mutation, located in coding exon 24 of the ATM gene, results from a deletion of 5 nucleotides at nucleotide positions 3704 to 3708, causing a translational frameshift with a predicted alternate stop codon (p.P1235Hfs*9). This alteration is expected to result in loss of function by premature protein truncation or nonsense-mediated mRNA decay. As such, this alteration is interpreted as a disease-causing mutation.

Literature cited by the submitters: PubMed 23807571 (cited by Labcorp Genetics (formerly Invitae), Labcorp); PubMed 25614872 (cited by Labcorp Genetics (formerly Invitae), Labcorp).